The following is an entry in ClinVar:

GRCh37/hg19 1p13.3(chr1:110163633-110173775)x0

Gene: AMPD2 (adenosine monophosphate deaminase 2; plus strand). Cytogenetic location: 1p13.3.
Variant type: copy number loss.
Change: copy number 0 (both copies lost) of chr1:110,163,633-110,173,775 (10.1 kb, GRCh37 coordinates, 1-based), cytogenetic band 1p13.3.
Identifiers: ClinVar variation 3338426 (VCV003338426.1).

ClinVar aggregate classification (germline): Likely pathogenic (0 of 4 stars; one submission).

Conditions:
Hereditary spastic paraplegia 63. Also called: Spastic paraplegia 63, autosomal recessive. Identifiers: Orphanet 401805, MedGen C3810295, MONDO:0014305, OMIM 615686.

Submission:

Solve-RD Consortium
Classification: Likely pathogenic for Hereditary spastic paraplegia 63. Last evaluated: 2024-06-01. Review status: no assertion criteria provided. Collection method: provider interpretation. Allele origin: germline. Affected: yes.
Comment: This CNV was confirmed by the submitting clinician to impact a gene that corresponds with the phenotype of the affected individual, and thus deemed to be causative for their condition.

Literature cited by the submitters: PubMed 39825153.